The following is an entry in ClinVar:

NM_000350.3(ABCA4):c.5498T>G (p.Leu1833Arg)

Gene: ABCA4 (ATP binding cassette subfamily A member 4; minus strand). Cytogenetic location: 1p22.1.
Variant type: single nucleotide variant.
Coding change: c.5498T>G on transcript NM_000350.3 (MANE Select); coding-DNA position 5498, T replaced by G.
Protein change: p.Leu1833Arg; replaces leucine 1833 with arginine.
Molecular consequence: missense variant.
Genome position (GRCh38, 1-based): chr1:94,011,348, A>C on the plus strand (T>G on the coding strand, the complement: ABCA4 is on the minus strand). VCF-style: chr1-94011348-A-C. GRCh37 (hg19) VCF-style: chr1-94476904-A-C.
Other names: c.5276T>G, p.Leu1759Arg (NM_001425324.1); short protein forms L1833R, L1759R.
Identifiers: ClinVar variation 1714069 (VCV001714069.6), dbSNP rs2523657948, ClinGen allele CA341281133.
Genomic context (GRCh38, chr1:94,011,348, plus strand): 5'-GCCTGGCTCAGTGCAAGGTCAATGAGGCCCCGGCCCAGGCAGAAGTGGGGGAAGACAATG[A>C]GCAGCTTCCTCAGCACGGCGTTGAACCTGAGCAGCGTCTGAAACAGAGAAGTAGGACTGT-3'
Protein context (NP_000341.2, residues 1823-1843): LRFNAVLRKL[Leu1833Arg]IVFPHFCLGR

ClinVar aggregate classification (germline): Uncertain significance. Review status: criteria provided, single submitter (1 of 4 stars). 2 submissions from 2 submitters: Uncertain significance (1). 1 of the submissions does not count toward it. Last evaluated 2022-07-29.

Conditions:
Severe early-childhood-onset retinal dystrophy (STGD1). Also called: Stargardt macular dystrophy; Juvenile onset macular degeneration; Stargardt disease 1; MACULAR DYSTROPHY WITH FLECKS, TYPE 1; STGD. Identifiers: Orphanet 364055, Orphanet 827, MedGen C1855465, MeSH D000080362, MONDO:0009549, OMIM 248200.

Submissions (2):

Labcorp Genetics (formerly Invitae), Labcorp
Classification: Uncertain significance. Last evaluated: 2022-07-29. Review status: criteria provided, single submitter. Criteria: Invitae Variant Classification Sherloc (09022015). Collection method: clinical testing. Allele origin: germline.
Comment: This sequence change replaces leucine, which is neutral and non-polar, with arginine, which is basic and polar, at codon 1833 of the ABCA4 protein (p.Leu1833Arg). This variant is not present in population databases (gnomAD no frequency). This variant has not been reported in the literature in individuals affected with ABCA4-related conditions. Advanced modeling of protein sequence and biophysical properties (such as structural, functional, and spatial information, amino acid conservation, physicochemical variation, residue mobility, and thermodynamic stability) performed at Invitae indicates that this missense variant is expected to disrupt ABCA4 protein function. In summary, the available evidence is currently insufficient to determine the role of this variant in disease. Therefore, it has been classified as a Variant of Uncertain Significance.

Ophthalmo-Genetics Lab, Instituto de Oftalmologia Conde de Valenciana
Classification: Likely pathogenic for Severe early-childhood-onset retinal dystrophy. Review status: no assertion criteria provided. Collection method: research. Allele origin: germline. Inheritance: Autosomal recessive inheritance. Affected: yes. Not counted in ClinVar's aggregate classification.

Literature cited by the submitters: PubMed 24342785 (cited by Ophthalmo-Genetics Lab, Instituto de Oftalmologia Conde de Valenciana).